The following is an entry in ClinVar:

NM_006371.5(CRTAP):c.41_59dup (p.Leu21fs)

Genes: CRTAP (cartilage associated protein; plus strand), LOC129936436 (ATAC-STARR-seq lymphoblastoid silent region 14183; plus strand). Cytogenetic location: 3p22.3.
Variant type: Duplication.
Coding change: c.41_59dup on transcript NM_006371.5 (MANE Select); coding-DNA positions 41 to 59, 19 bases duplicated (TGCTGTGCGTGGCCTGCGC).
Protein change: p.Leu21fs; shifts the reading frame from leucine 21.
Molecular consequence: frameshift variant.
Genome position (GRCh38, 1-based): chr3:33,114,118-33,114,136, TGCTGTGCGTGGCCTGCGC duplicated; duplicating any 19 consecutive bases within chr3:33,114,114-33,114,136 gives the same sequence; the c. name uses the placement nearest the transcript's 3' end. VCF-style (leftmost placement, unchanged base first): chr3-33114113-A-AGCGCTGCTGTGCGTGGCCT. GRCh37 (hg19) VCF-style: chr3-33155605-A-AGCGCTGCTGTGCGTGGCCT.
Other names: c.41_59dup, p.Leu21fs (NM_001393363.1, NM_001393364.1, NM_001393365.1); c.41_59dup19 (NM_006371.4); short protein forms L21fs.
Identifiers: ClinVar variation 1722417 (VCV001722417.1), dbSNP rs2471560813, ClinGen allele CA2580069249.

ClinVar aggregate classification (germline): Likely pathogenic (1 of 4 stars; one submission).

Conditions:
Osteogenesis imperfecta (OI). Identifiers: Orphanet 666, MedGen C0029434, MeSH D010013, MONDO:0019019.

Submission:

Women's Health and Genetics/Laboratory Corporation of America, LabCorp
Classification: Likely pathogenic for Osteogenesis imperfecta. Last evaluated: 2022-09-12. Review status: criteria provided, single submitter. Criteria: LabCorp Variant Classification Summary - May 2015. Collection method: clinical testing. Allele origin: germline.
Comment: Variant summary: CRTAP c.41_59dup19 (p.Leu21AlafsX146) results in a premature termination codon, predicted to cause a truncation of the encoded protein or absence of the protein due to nonsense mediated decay, which are commonly known mechanisms for disease. Truncations downstream of this variant have been reported in association with Osteogenesis imperfecta in HGMD. The variant was absent in 132858 control chromosomes. To our knowledge, no occurrence of c.41_59dup19 in individuals affected with Osteogenesis Imperfecta and no experimental evidence demonstrating its impact on protein function have been reported. No clinical diagnostic laboratories have submitted clinical-significance assessments for this variant to ClinVar after 2014. Based on the evidence outlined above, the variant was classified as likely pathogenic.